The following is an entry in ClinVar:

ClinVar aggregate classification (germline): Likely benign. Review status: criteria provided, multiple submitters, no conflicts (2 of 4 stars). 2 submissions from 2 submitters: Likely benign (2). Last evaluated 2026-01-11.

Submissions (2):

Labcorp Genetics (formerly Invitae), Labcorp
Classification: Likely benign. Last evaluated: 2026-01-11. Review status: criteria provided, single submitter. Criteria: Invitae Variant Classification Sherloc (09022015). Collection method: clinical testing. Allele origin: germline.

CeGaT Center for Human Genetics Tuebingen
Classification: Likely benign. Last evaluated: 2025-08-01. Review status: criteria provided, single submitter. Criteria: CeGaT Center For Human Genetics Tuebingen Variant Classification Criteria Version 2. Collection method: clinical testing. Allele origin: germline. Affected: yes. Observed: 3 variant alleles.
Comment: PCLO: BP4

NM_033026.6(PCLO):c.3300+7_3300+8insTTTATATATA

Gene: PCLO (piccolo presynaptic cytomatrix protein; minus strand). Cytogenetic location: 7q21.11.
Variant type: Microsatellite.
Coding change: c.3300+7_3300+8insTTTATATATA on transcript NM_033026.6 (MANE Select); bases 7 to 8 of the intron after coding-DNA position 3300, TTTATATATA inserted.
Molecular consequence: intron variant.
Genome position: GRCh38 VCF-style: chr7-83134242-T-TATATATATAA. GRCh37 (hg19) VCF-style: chr7-82763558-T-TATATATATAA.
Other names: c.3300+7_3300+8insTTTATATATA (NM_014510.3).
Identifiers: ClinVar variation 1584511 (VCV001584511.32), dbSNP rs746054139.
Genomic context (GRCh38, chr7:83,134,242, plus strand): 5'-GTTTCAAAATAAACCCACAGACTCACCTCCATATGTAATATATATATATATATATATATA[T>TATATATATAA]AACTTACCTCAGTCAAATGTGGTGTAGGGTTAAATCCACAGAGATTACACACTTGATTCT-3'